The following is an entry in ClinVar:

ClinVar aggregate classification (germline): Likely benign. Review status: criteria provided, multiple submitters, no conflicts (2 of 4 stars). 2 submissions from 2 submitters: Likely benign (2). Last evaluated 2026-06-01.

Conditions:
CHD5-related disorder. Also called: CHD5-related condition.

gnomAD v4.1: 1,232 of 1,612,010 alleles (0.076%); highest among the groups gnomAD compares: Non-Finnish European, 0.094%; no homozygotes.

Submissions (2):

CeGaT Center for Human Genetics Tuebingen
Classification: Likely benign. Last evaluated: 2026-06-01. Review status: criteria provided, single submitter. Criteria: CeGaT Center For Human Genetics Tuebingen Variant Classification Criteria Version 2. Collection method: clinical testing. Allele origin: germline. Affected: yes. Observed: 1 variant allele.
Comment: CHD5: BP4, BP7, BS1

PreventionGenetics, part of Exact Sciences
Classification: Likely benign for CHD5-related condition. Last evaluated: 2026-01-23. Review status: criteria provided, single submitter. Criteria: ACMG Guidelines, 2015. Collection method: clinical testing. Allele origin: germline.
Comment: This variant is classified as likely benign based on ACMG/AMP sequence variant interpretation guidelines (Richards et al. 2015 PMID: 25741868, with internal and published modifications).

NM_015557.3(CHD5):c.3459G>A (p.Ser1153=)

Gene: CHD5 (chromodomain helicase DNA binding protein 5; minus strand). Cytogenetic location: 1p36.31.
Variant type: single nucleotide variant.
Coding change: c.3459G>A on transcript NM_015557.3 (MANE Select); coding-DNA position 3459, G replaced by A.
Protein change: p.Ser1153=; no amino-acid change (serine 1153 retained).
Molecular consequence: synonymous variant.
Genome position (GRCh38, 1-based): chr1:6,128,998, C>T on the plus strand (G>A on the coding strand, the complement: CHD5 is on the minus strand). VCF-style: chr1-6128998-C-T. GRCh37 (hg19) VCF-style: chr1-6189058-C-T.
Other names: c.3459G>A (NM_015557.2).
Identifiers: ClinVar variation 4872080 (VCV004872080.3).